The following is an entry in ClinVar:

NM_002528.7(NTHL1):c.11T>A (p.Leu4Ter)

Gene: NTHL1 (nth like DNA glycosylase 1; minus strand). Cytogenetic location: 16p13.3.
Variant type: single nucleotide variant.
Coding change: c.11T>A on transcript NM_002528.7 (MANE Select); coding-DNA position 11, T replaced by A.
Protein change: p.Leu4Ter; replaces leucine 4 with a stop codon.
Molecular consequence: nonsense. On other transcripts: 5 prime UTR variant (1).
Genome position (GRCh38, 1-based): chr16:2,047,813, A>T on the plus strand (T>A on the coding strand, the complement: NTHL1 is on the minus strand). VCF-style: chr16-2047813-A-T. GRCh37 (hg19) VCF-style: chr16-2097814-A-T.
Other names: c.35T>A (NM_002528.5); c.11T>A, p.Leu4Ter (NM_001318193.2); c.-168T>A (NM_001318194.2); short protein forms L4*.
Identifiers: ClinVar variation 1403427 (VCV001403427.7), dbSNP rs1413587495, ClinGen allele CA394298671.

ClinVar aggregate classification (germline): Conflicting classifications of pathogenicity. Review status: criteria provided, conflicting classifications (1 of 4 stars). 3 submissions from 3 submitters: Pathogenic (2); Uncertain significance (1). Last evaluated 2024-11-12.

Conditions:
Familial adenomatous polyposis 3. Also called: NTHL1-Related Adenomatous Polyposis and Colorectal Cancer; NTHL1-associated polyposis; NTHL1-related attenuated familial adenomatous polyposis; NTHL1 Tumor Syndrome. Identifiers: Orphanet 220460, Orphanet 454840, MedGen C4225157, MONDO:0014630, OMIM 616415.
Hereditary cancer-predisposing syndrome. Also called: Tumor predisposition; Neoplastic Syndromes, Hereditary; Hereditary Cancer Syndrome; Hereditary neoplastic syndrome. Identifiers: Orphanet 140162, MedGen C0027672, MeSH D009386, MONDO:0015356.

Submissions (3):

Ambry Genetics
Classification: Uncertain significance for Hereditary cancer-predisposing syndrome. Last evaluated: 2024-11-12. Review status: criteria provided, single submitter. Criteria: Ambry Variant Classification Scheme 2023. Collection method: clinical testing. Allele origin: germline.
Comment: The p.L12* variant (also known as c.35T>A), located in coding exon 1 of the NTHL1 gene, results from a T to A substitution at nucleotide position 35. This changes the amino acid from a leucine to a stop codon within coding exon 1. The predicted stop codon occurs in the 5&rsquo; end of theNTHL1 gene. Premature termination codons in the 5&rsquo; end of a gene have been reported to escape nonsense-mediated mRNAdecay and/or lead to re-initiation (Rivas et al. Science. 2015 May 8;348(6235):666-9; Lindeboom et al. Nat Genet. 2016 Oct;48(10):1112-8; Rhee et al. Sci Rep. 2017 May 10;7(1):1653). The exact functional effect of this alteration is unknown. Since supporting evidence is limited at this time, the clinical significance of this alteration remains unclear.

Labcorp Genetics (formerly Invitae), Labcorp
Classification: Pathogenic. Last evaluated: 2024-09-08. Review status: criteria provided, single submitter. Criteria: Invitae Variant Classification Sherloc (09022015). Collection method: clinical testing. Allele origin: germline.
Comment: This sequence change creates a premature translational stop signal (p.Leu12*) in the NTHL1 gene. It is expected to result in an absent or disrupted protein product. Loss-of-function variants in NTHL1 are known to be pathogenic (PMID: 25938944, 26559593). This variant is not present in population databases (gnomAD no frequency). This variant has not been reported in the literature in individuals affected with NTHL1-related conditions. ClinVar contains an entry for this variant (Variation ID: 1403427). For these reasons, this variant has been classified as Pathogenic.

Myriad Genetics, Inc.
Classification: Pathogenic for Familial adenomatous polyposis 3. Last evaluated: 2023-08-31. Review status: criteria provided, single submitter. Criteria: Myriad Autosomal Dominant, Autosomal Recessive and X-Linked Classification Criteria (2023). Collection method: clinical testing. Allele origin: unknown.
Comment: This variant is considered pathogenic. This variant creates a termination codon and is predicted to result in premature protein truncation.

Literature cited by the submitters: PubMed 25938944 (cited by Labcorp Genetics (formerly Invitae), Labcorp); PubMed 26559593 (cited by Labcorp Genetics (formerly Invitae), Labcorp).